The following is an entry in ClinVar:

NM_000400.4(ERCC2):c.184-5G>A

Gene: ERCC2 (ERCC excision repair 2, TFIIH core complex helicase subunit; minus strand). Cytogenetic location: 19q13.32.
Variant type: single nucleotide variant.
Coding change: c.184-5G>A on transcript NM_000400.4 (MANE Select); 5 bases into the intron before coding-DNA position 184, G replaced by A.
Molecular consequence: intron variant.
Genome position (GRCh38, 1-based): chr19:45,368,997, C>T on the plus strand (G>A on the coding strand, the complement: ERCC2 is on the minus strand). VCF-style: chr19-45368997-C-T. GRCh37 (hg19) VCF-style: chr19-45872255-C-T.
Other names: c.112-5G>A (NM_001130867.2).
Identifiers: ClinVar variation 1434610 (VCV001434610.4), dbSNP rs560956342, ClinGen allele CA9513875.

ClinVar aggregate classification (germline): Uncertain significance (1 of 4 stars; one submission).

Allele frequency attached by ClinVar (database versions not stated): 1000 Genomes Project 0.00020; 1000 Genomes Project 30x 0.00031.
gnomAD v4.1: 84 of 1,614,190 alleles (0.0052%); highest among the groups gnomAD compares: Admixed American, 0.017%; no homozygotes.

Submission:

Labcorp Genetics (formerly Invitae), Labcorp
Classification: Uncertain significance. Last evaluated: 2024-02-24. Review status: criteria provided, single submitter. Criteria: Invitae Variant Classification Sherloc (09022015). Collection method: clinical testing. Allele origin: germline.
Comment: This sequence change falls in intron 3 of the ERCC2 gene. It does not directly change the encoded amino acid sequence of the ERCC2 protein. This variant is present in population databases (rs560956342, gnomAD 0.02%). This variant has not been reported in the literature in individuals affected with ERCC2-related conditions. ClinVar contains an entry for this variant (Variation ID: 1434610). Algorithms developed to predict the effect of sequence changes on RNA splicing suggest that this variant may create or strengthen a splice site. In summary, the available evidence is currently insufficient to determine the role of this variant in disease. Therefore, it has been classified as a Variant of Uncertain Significance.